The following is an entry in ClinVar:

ClinVar aggregate classification (germline): Benign/Likely benign. Review status: criteria provided, multiple submitters, no conflicts (2 of 4 stars). 3 submissions from 3 submitters: Benign (1); Likely benign (2). Last evaluated 2025-08-18.

Conditions:
Hereditary cancer-predisposing syndrome. Also called: Tumor predisposition; Hereditary Cancer Syndrome; Hereditary neoplastic syndrome; Neoplastic Syndromes, Hereditary. Identifiers: Orphanet 140162, MedGen C0027672, MeSH D009386, MONDO:0015356.
Oligodontia-cancer predisposition syndrome. Also called: TOOTH AGENESIS-COLORECTAL CANCER SYNDROME. Identifiers: Orphanet 300576, MedGen C1837750, MONDO:0012075, OMIM 608615. Disease mechanism: loss of function.

Allele frequency attached by ClinVar (database versions not stated): gnomAD exomes below 0.00001.
gnomAD v4.1: 1 of 1,614,212 alleles (0.000062%); highest among the groups gnomAD compares: Non-Finnish European, 0.000085%; no homozygotes.

Submissions (3):

Labcorp Genetics (formerly Invitae), Labcorp
Classification: Likely benign for Oligodontia-cancer predisposition syndrome. Last evaluated: 2025-08-18. Review status: criteria provided, single submitter. Criteria: Invitae Variant Classification Sherloc (09022015). Collection method: clinical testing. Allele origin: germline.

Myriad Genetics, Inc.
Classification: Benign for Oligodontia-cancer predisposition syndrome. Last evaluated: 2024-06-27. Review status: criteria provided, single submitter. Criteria: Myriad Autosomal Dominant, Autosomal Recessive and X-Linked Classification Criteria (2023). Collection method: clinical testing. Allele origin: unknown.
Comment: This variant is considered benign. This variant is a silent/synonymous amino acid change and it is not expected to impact splicing.

Ambry Genetics
Classification: Likely benign for Hereditary cancer-predisposing syndrome. Last evaluated: 2021-10-08. Review status: criteria provided, single submitter. Criteria: Ambry Variant Classification Scheme 2023. Collection method: clinical testing. Allele origin: germline.

NM_004655.4(AXIN2):c.717C>T (p.Phe239=)

Gene: AXIN2 (axin 2; minus strand). Cytogenetic location: 17q24.1.
Variant type: single nucleotide variant.
Coding change: c.717C>T on transcript NM_004655.4 (MANE Select); coding-DNA position 717, C replaced by T.
Protein change: p.Phe239=; no amino-acid change (phenylalanine 239 retained).
Molecular consequence: synonymous variant.
Genome position (GRCh38, 1-based): chr17:65,557,904, G>A on the plus strand (C>T on the coding strand, the complement: AXIN2 is on the minus strand). VCF-style: chr17-65557904-G-A. GRCh37 (hg19) VCF-style: chr17-63554022-G-A.
Other names: c.717C>T, p.Phe239= (NM_001363813.1).
Identifiers: ClinVar variation 1563512 (VCV001563512.11), dbSNP rs2144582762, ClinGen allele CA501691370.